The following is an entry in ClinVar:

ClinVar aggregate classification (germline): Benign/Likely benign. Review status: criteria provided, multiple submitters, no conflicts (2 of 4 stars). 2 submissions from 2 submitters: Benign (1); Likely benign (1). Last evaluated 2024-04-03.

Conditions:
Familial adenomatous polyposis 1 (FAP1). Also called: POLYPOSIS, ADENOMATOUS INTESTINAL; FAMILIAL ADENOMATOUS POLYPOSIS 1, ATTENUATED. Identifiers: MedGen C2713442, MONDO:0021056, OMIM 175100. Disease mechanism: loss of function.

Submissions (2):

Myriad Genetics, Inc.
Classification: Benign for Familial adenomatous polyposis 1. Last evaluated: 2024-04-03. Review status: criteria provided, single submitter. Criteria: Myriad Autosomal Dominant, Autosomal Recessive and X-Linked Classification Criteria (2023). Collection method: clinical testing. Allele origin: unknown.
Comment: This variant is considered benign. This variant is a silent/synonymous amino acid change and it is not expected to impact splicing.

Labcorp Genetics (formerly Invitae), Labcorp
Classification: Likely benign for Familial adenomatous polyposis 1. Last evaluated: 2021-12-11. Review status: criteria provided, single submitter. Criteria: Invitae Variant Classification Sherloc (09022015). Collection method: clinical testing. Allele origin: germline.

NM_000038.6(APC):c.5934A>G (p.Glu1978=)

Gene: APC (APC regulator of Wnt signaling pathway; plus strand). Cytogenetic location: 5q22.2.
Variant type: single nucleotide variant.
Coding change: c.5934A>G on transcript NM_000038.6 (MANE Select); coding-DNA position 5934, A replaced by G.
Protein change: p.Glu1978=; no amino-acid change (glutamic acid 1978 retained).
Molecular consequence: synonymous variant.
Genome position (GRCh38, 1-based): chr5:112,841,528, A>G. VCF-style: chr5-112841528-A-G. GRCh37 (hg19) VCF-style: chr5-112177225-A-G.
Other names: c.5934A>G, p.Glu1978= (NM_001127510.3, NM_001354895.2); c.5880A>G, p.Glu1960= (NM_001127511.3); c.5988A>G, p.Glu1996= (NM_001354896.2); c.5964A>G, p.Glu1988= (NM_001354897.2); c.5859A>G, p.Glu1953= (NM_001354898.2); c.5850A>G, p.Glu1950= (NM_001354899.2); c.5811A>G, p.Glu1937= (NM_001354900.2); c.5757A>G, p.Glu1919= (NM_001354901.2); and 5 more.
Identifiers: ClinVar variation 1153868 (VCV001153868.11), dbSNP rs2149952850, ClinGen allele CA446210038.